The following is an entry in ClinVar:

NM_001044385.3(TMEM237):c.1090G>A (p.Val364Met)

Gene: TMEM237 (transmembrane protein 237; minus strand). Cytogenetic location: 2q33.1.
Variant type: single nucleotide variant.
Coding change: c.1090G>A on transcript NM_001044385.3 (MANE Select); coding-DNA position 1090, G replaced by A.
Protein change: p.Val364Met; replaces valine 364 with methionine.
Molecular consequence: missense variant.
Genome position (GRCh38, 1-based): chr2:201,626,095, C>T on the plus strand (G>A on the coding strand, the complement: TMEM237 is on the minus strand). VCF-style: chr2-201626095-C-T. GRCh37 (hg19) VCF-style: chr2-202490818-C-T.
Other names: p.Val364Met; c.1066G>A, p.Val356Met (NM_152388.4); short protein forms V356M, V364M.
Identifiers: ClinVar variation 286946 (VCV000286946.22), dbSNP rs138509553, ClinGen allele CA2056302.

ClinVar aggregate classification (germline): Conflicting classifications of pathogenicity. Review status: criteria provided, conflicting classifications (1 of 4 stars). 6 submissions from 6 submitters: Uncertain significance (1); Likely benign (4). 1 of the submissions does not count toward it. Last evaluated 2026-02-01.

Conditions:
TMEM237-related disorder. Also called: TMEM237-related condition.
Joubert syndrome 14 (JBTS14). Identifiers: MedGen C3280766, MONDO:0013745, OMIM 614424.

Allele frequency attached by ClinVar (database versions not stated): 1000 Genomes Project 30x 0.00172; 1000 Genomes Project 0.00180; gnomAD 0.00184 and 0.00199; ESP Exome Variant Server 0.00186; TOPMed 0.00186.
gnomAD v4.1: 520 of 1,609,734 alleles (0.032%); highest among the groups gnomAD compares: African/African-American, 0.59%; 2 homozygotes.

Submissions (6):

Labcorp Genetics (formerly Invitae), Labcorp
Classification: Likely benign for Joubert syndrome 14. Last evaluated: 2026-02-01. Review status: criteria provided, single submitter. Criteria: Invitae Variant Classification Sherloc (09022015). Collection method: clinical testing. Allele origin: germline.

Mayo Clinic Laboratories, Mayo Clinic
Classification: Likely benign. Last evaluated: 2025-04-22. Review status: criteria provided, single submitter. Criteria: ACMG Guidelines, 2015. Collection method: clinical testing. Allele origin: germline. Observed: 1 variant allele.
Comment: BS1, BP4

Blueprint Genetics
Classification: Likely benign. Last evaluated: 2024-07-23. Review status: criteria provided, single submitter. Criteria: ACMG Guidelines, 2015. Collection method: clinical testing. Allele origin: germline.

GeneDx
Classification: Likely benign. Last evaluated: 2019-05-14. Review status: criteria provided, single submitter. Criteria: GeneDx Variant Classification Process June 2021. Collection method: clinical testing. Allele origin: germline. Affected: yes.

Eurofins Ntd Llc (ga)
Classification: Uncertain significance. Last evaluated: 2016-04-05. Review status: criteria provided, single submitter. Criteria: EGL Classification Definitions 2015. Collection method: clinical testing. Allele origin: germline. Observed: 2 variant alleles, 2 heterozygotes.

PreventionGenetics, part of Exact Sciences
Classification: Likely benign for TMEM237-related condition. Last evaluated: 2019-10-28. Review status: no assertion criteria provided. Collection method: clinical testing. Allele origin: germline. Not counted in ClinVar's aggregate classification.
Comment: This variant is classified as likely benign based on ACMG/AMP sequence variant interpretation guidelines (Richards et al. 2015 PMID: 25741868, with internal and published modifications).